The following is an entry in ClinVar:

NM_001904.4(CTNNB1):c.133T>C (p.Ser45Pro)

Genes: CTNNB1 (catenin beta 1; plus strand), LOC126806658 (BRD4-independent group 4 enhancer GRCh37_chr3:41265899-41267098; plus strand). Cytogenetic location: 3p22.1.
Variant type: single nucleotide variant.
Coding change: c.133T>C on transcript NM_001904.4 (MANE Select); coding-DNA position 133, T replaced by C.
Protein change: p.Ser45Pro; replaces serine 45 with proline.
Molecular consequence: missense variant.
Genome position (GRCh38, 1-based): chr3:41,224,645, T>C. VCF-style: chr3-41224645-T-C. GRCh37 (hg19) VCF-style: chr3-41266136-T-C.
Other names: c.133T>C, p.Ser45Pro (NM_001098209.2, NM_001098210.2); c.112T>C, p.Ser38Pro (NM_001330729.2); short protein forms S45P, S38P.
Identifiers: ClinVar variation 17589 (VCV000017589.8), dbSNP rs121913407, ClinGen allele CA127285.

ClinVar aggregate classification (germline): Pathogenic/Likely pathogenic. Review status: no assertion criteria provided (0 of 4 stars). 3 submissions from 2 submitters: Pathogenic (1); Likely pathogenic (1). 1 of the submissions does not count toward it. Last evaluated 1999-07-08.
ClinVar aggregate classification (somatic clinical impact): Tier I - Strong. Review status: criteria provided, single submitter (1 of 4 stars). 2 submissions from 1 submitter. Last evaluated 2025-01-06.
ClinVar aggregate classification (oncogenicity): Oncogenic (1 of 4 stars; one submission).

Conditions:
Hepatocellular carcinoma (HCC). Also called: Primary carcinoma of liver; HEPATOMA; LIVER CELL CARCINOMA. Identifiers: Orphanet 88673, MedGen C2239176, MONDO:0007256, OMIM 114550, HP:0001402.
Embryonal rhabdomyosarcoma (ERMS). Also called: Botryoid rhabdomyosarcoma (type of ERMS); Spindle cell rhabdomyosarcomas (type of ERMS). Identifiers: Orphanet 99757, MedGen C0206656, MONDO:0009993, HP:0006743.
Desmoid tumor. Also called: Aggressive fibromatosis; Desmoid tumour. Identifiers: Orphanet 873, MedGen C0079218, MONDO:0007608, HP:6001034.
Neoplasm. Also called: Neoplasms; Neoplasm (disease); tumor. Identifiers: MedGen C0027651, MeSH D009369, MONDO:0005070, HP:0002664.

Submissions (6):

Center for Genomic Medicine, Rigshospitalet, Copenhagen University Hospital
Classification: Oncogenic for Neoplasm. Last evaluated: 2025-03-04. Review status: criteria provided, single submitter. Criteria: ClinGen/CGC/VICC Guidelines for Oncogenicity, 2022. Collection method: clinical testing. Allele origin: somatic. Affected: yes.

Institute for Genomic Medicine (IGM) Clinical Laboratory, Nationwide Children's Hospital
Classification: Tier I - Strong for Desmoid tumor. Assertion type: diagnostic. Clinical significance: supports diagnosis. Last evaluated: 2025-01-06. Review status: criteria provided, single submitter. Criteria: AMP/ASCO/CAP Guidelines, 2017. Collection method: clinical testing. Allele origin: somatic. Affected: yes.
Comment: Variant has Tier I (strong) clinical significance as a diagnostic inclusion criterion in desmoid tumor, based on the following evidence: 1) Documented in one or more cancer databases (e.g., St. Jude Pecan, COSMIC, CIViC, OncoKB). 2) Appears in one or more well-established professional guidelines (e.g., World Health Organization [WHO]; National Comprehensive Cancer Network [NCCN]) as providing diagnostic, prognostic, or therapeutic information. 3) Information in the literature supports potential biologic effect of variant (PMID: 33914771). 4) Diagnostic for a specific tumor type/classification according to professional guidelines (Evidence Level A; PMIDs: 17721184, 18832571, 20197769, 26171757, 33914771, 34185076).

Institute for Genomic Medicine (IGM) Clinical Laboratory, Nationwide Children's Hospital
Classification: Tier I - Strong for Embryonal rhabdomyosarcoma. Assertion type: diagnostic. Clinical significance: supports diagnosis. Last evaluated: 2024-04-29. Review status: criteria provided, single submitter. Criteria: AMP/ASCO/CAP Guidelines, 2017. Collection method: clinical testing. Allele origin: somatic. Affected: yes.
Comment: Variant has Tier I (strong) clinical significance as a diagnostic inclusion criterion in embryonal rhabdomyosarcoma, based on the following evidence: 1) Documented in one or more cancer databases (e.g., St. Jude Pecan, COSMIC, CIViC, OncoKB). 2) Appears in one or more well-established professional guidelines (e.g., World Health Organization [WHO]; National Comprehensive Cancer Network [NCCN]) as providing diagnostic, prognostic, or therapeutic information. 3) Information in the literature supports potential biologic effect of variant (PMIDs: 9419974, 26815163, 29435196). 4) Diagnostic for a specific tumor type/classification based on well-powered studies with expert-level consensus (Evidence Level B; PMIDs: 30617281, 34166060, 24436047, 24332040, 22142829).

OMIM
Classification: Pathogenic for HEPATOCELLULAR CARCINOMA, SOMATIC. Last evaluated: 1999-07-08. Review status: no assertion criteria provided. Collection method: literature only. Allele origin: somatic.

Richard Lifton Laboratory, Yale University School of Medicine
Classification: Likely pathogenic. Review status: no assertion criteria provided. Collection method: not provided. Allele origin: somatic.
Comment: CTNNB1:p.S45P
ClinVar note: Converted during submission from probable-pathogenic to Likely pathogenic.

Richard Lifton Laboratory, Yale University School of Medicine
Classification: Likely pathogenic. Review status: flagged submission. Collection method: not provided. Allele origin: somatic. Not counted in ClinVar's aggregate classification.
ClinVar note: Converted during submission from probable-pathogenic to Likely pathogenic.
ClinVar note: Reason: This record appears to be redundant with a more recent record from the same submitter.
ClinVar note: Notes: SCV000120059 appears to be redundant with SCV000155162.

Literature cited by the submitters: PubMed 9065403 (cited by Center for Genomic Medicine, Rigshospitalet, Copenhagen University Hospital); PubMed 15133491 (cited by Center for Genomic Medicine, Rigshospitalet, Copenhagen University Hospital); PubMed 33914771 (cited by Institute for Genomic Medicine (IGM) Clinical Laboratory, Nationwide Children's Hospital); PubMed 17721184 (cited by Institute for Genomic Medicine (IGM) Clinical Laboratory, Nationwide Children's Hospital); PubMed 18832571 (cited by Institute for Genomic Medicine (IGM) Clinical Laboratory, Nationwide Children's Hospital); PubMed 20197769 (cited by Institute for Genomic Medicine (IGM) Clinical Laboratory, Nationwide Children's Hospital); PubMed 26171757 (cited by Institute for Genomic Medicine (IGM) Clinical Laboratory, Nationwide Children's Hospital); PubMed 34185076 (cited by Institute for Genomic Medicine (IGM) Clinical Laboratory, Nationwide Children's Hospital); PubMed 9419974 (cited by Institute for Genomic Medicine (IGM) Clinical Laboratory, Nationwide Children's Hospital); PubMed 26815163 (cited by Institute for Genomic Medicine (IGM) Clinical Laboratory, Nationwide Children's Hospital); PubMed 29435196 (cited by Institute for Genomic Medicine (IGM) Clinical Laboratory, Nationwide Children's Hospital); PubMed 30617281 (cited by Institute for Genomic Medicine (IGM) Clinical Laboratory, Nationwide Children's Hospital); PubMed 34166060 (cited by Institute for Genomic Medicine (IGM) Clinical Laboratory, Nationwide Children's Hospital); PubMed 24436047 (cited by Institute for Genomic Medicine (IGM) Clinical Laboratory, Nationwide Children's Hospital); PubMed 24332040 (cited by Institute for Genomic Medicine (IGM) Clinical Laboratory, Nationwide Children's Hospital); PubMed 22142829 (cited by Institute for Genomic Medicine (IGM) Clinical Laboratory, Nationwide Children's Hospital); PubMed 10435629 (cited by OMIM).